The following is an entry in ClinVar:

ClinVar aggregate classification (germline): Pathogenic (1 of 4 stars; one submission).

Conditions:
Ehlers-Danlos syndrome, dermatosparaxis type. Also called: EDS VIIC; Dermatosparaxis; Ehlers-Danlos syndrome, type VII, autosomal recessive. Identifiers: Orphanet 1901, MedGen C2700425, MONDO:0009161, OMIM 225410.

Submission:

Myriad Genetics, Inc.
Classification: Pathogenic for Ehlers-Danlos syndrome, dermatosparaxis type. Last evaluated: 2023-08-15. Review status: criteria provided, single submitter. Criteria: Myriad Autosomal Dominant, Autosomal Recessive and X-Linked Classification Criteria (2023). Collection method: clinical testing. Allele origin: unknown.
Comment: NM_014244.4(ADAMTS2):c.77_78ins5(L27Afs*140) is expected to be pathogenic in the context of Ehlers-Danlos syndrome, ADAMTS2-related. This variant is predicted to lead to an abnormal or absent protein product due to the creation of a premature termination codon in ADAMTS2, a gene where loss-of-function variants are known to be pathogenic. Please note: this variant was assessed in the context of healthy population screening.

NM_014244.5(ADAMTS2):c.77_78insAGCAG (p.Leu27fs)

Gene: ADAMTS2 (ADAM metallopeptidase with thrombospondin type 1 motif 2; minus strand). Cytogenetic location: 5q35.3.
Variant type: Insertion.
Coding change: c.77_78insAGCAG on transcript NM_014244.5 (MANE Select); coding-DNA positions 77 to 78, AGCAG inserted.
Protein change: p.Leu27fs; shifts the reading frame from leucine 27.
Molecular consequence: frameshift variant.
Genome position: GRCh38 VCF-style: chr5-179345251-C-CCTGCT. GRCh37 (hg19) VCF-style: chr5-178772252-C-CCTGCT.
Other names: c.77_78insAGCAG, p.Leu27fs (NM_021599.4); short protein forms L27fs.
Identifiers: ClinVar variation 5011356 (VCV005011356.1).